The following is an entry in ClinVar:

NM_015631.6(TCTN3):c.1103A>C (p.Gln368Pro)

Gene: TCTN3 (tectonic family member 3; minus strand). Cytogenetic location: 10q24.1.
Variant type: single nucleotide variant.
Coding change: c.1103A>C on transcript NM_015631.6 (MANE Select); coding-DNA position 1103, A replaced by C.
Protein change: p.Gln368Pro; replaces glutamine 368 with proline.
Molecular consequence: missense variant.
Genome position (GRCh38, 1-based): chr10:95,683,622, T>G on the plus strand (A>C on the coding strand, the complement: TCTN3 is on the minus strand). VCF-style: chr10-95683622-T-G. GRCh37 (hg19) VCF-style: chr10-97443379-T-G.
Other names: c.659A>C, p.Gln220Pro (NM_001143973.2); short protein forms Q368P, Q220P.
Identifiers: ClinVar variation 1420297 (VCV001420297.6), dbSNP rs200742071, ClinGen allele CA377704607.
Genomic context (GRCh38, chr10:95,683,622, plus strand): 5'-CCAACTATATAGCCAGGATTCCCACTTCTAGGACTGGTGAGAGAAGCAGCTGTGCTCTGT[T>G]GAAAAGCCTGCAGAAAGAGGGAAGAGAAGTCAATTATGGAGATAAGCATACTTTCCCACC-3'
Protein context (NP_056446.4, residues 358-378): QHFILRFRAF[Gln368Pro]QSTAASLTSP

ClinVar aggregate classification (germline): Uncertain significance (1 of 4 stars; one submission).

Conditions:
Joubert syndrome 18 (JBTS18). Identifiers: Orphanet 2754, MedGen C3553758, MONDO:0013896, OMIM 614815.
Orofacial-digital syndrome IV (OFD4). Also called: BARAITSER-BURN SYNDROME; MOHR-MAJEWSKI SYNDROME; OFD SYNDROME WITH TIBIAL DEFECTS; OFD SYNDROME, BARAITSER-BURN TYPE; OFDS IV; ORAL-FACIAL-DIGITAL SYNDROME, TYPE IV. Identifiers: Orphanet 2753, MedGen C0406727, MONDO:0009794, OMIM 258860.

gnomAD v4.1: 1 of 1,605,432 alleles (0.000062%); highest among the groups gnomAD compares: Non-Finnish European, 0.000085%; no homozygotes.

Submission:

Labcorp Genetics (formerly Invitae), Labcorp
Classification: Uncertain significance for Joubert syndrome 18; Orofacial-digital syndrome IV. Last evaluated: 2022-07-19. Review status: criteria provided, single submitter. Criteria: Invitae Variant Classification Sherloc (09022015). Collection method: clinical testing. Allele origin: germline.
Comment: In summary, the available evidence is currently insufficient to determine the role of this variant in disease. Therefore, it has been classified as a Variant of Uncertain Significance. Algorithms developed to predict the effect of missense changes on protein structure and function (SIFT, PolyPhen-2, Align-GVGD) all suggest that this variant is likely to be tolerated. ClinVar contains an entry for this variant (Variation ID: 1420297). This variant has not been reported in the literature in individuals affected with TCTN3-related conditions. This variant is not present in population databases (gnomAD no frequency). This sequence change replaces glutamine, which is neutral and polar, with proline, which is neutral and non-polar, at codon 368 of the TCTN3 protein (p.Gln368Pro).